The following is an entry in ClinVar:

NM_000179.3(MSH6):c.3584G>C (p.Ser1195Thr)

Gene: MSH6 (mutS homolog 6; plus strand). Cytogenetic location: 2p16.3.
Variant type: single nucleotide variant.
Coding change: c.3584G>C on transcript NM_000179.3 (MANE Select); coding-DNA position 3584, G replaced by C.
Protein change: p.Ser1195Thr; replaces serine 1195 with threonine.
Molecular consequence: missense variant.
Genome position (GRCh38, 1-based): chr2:47,805,645, G>C. VCF-style: chr2-47805645-G-C. GRCh37 (hg19) VCF-style: chr2-48032784-G-C.
Other names: c.3194G>C, p.Ser1065Thr (NM_001281492.2); c.2678G>C, p.Ser893Thr (NM_001281493.2, NM_001281494.2); short protein forms S1195T, S1065T, S893T.
Identifiers: ClinVar variation 525810 (VCV000525810.13), dbSNP rs758428552, ClinGen allele CA071428.

ClinVar aggregate classification (germline): Conflicting classifications of pathogenicity. Review status: criteria provided, conflicting classifications (1 of 4 stars). 3 submissions from 3 submitters: Uncertain significance (2); Likely benign (1). Last evaluated 2025-07-02.

Conditions:
Hereditary cancer-predisposing syndrome. Also called: Neoplastic Syndromes, Hereditary; Tumor predisposition; Hereditary Cancer Syndrome; Hereditary neoplastic syndrome. Identifiers: Orphanet 140162, MedGen C0027672, MeSH D009386, MONDO:0015356.
Hereditary nonpolyposis colorectal neoplasms. Identifiers: MedGen C0009405, MeSH D003123.
Lynch syndrome. Identifiers: Orphanet 144, MedGen C4552100, MONDO:0005835. Disease mechanism: loss of function.

Allele frequency attached by ClinVar (database versions not stated): gnomAD exomes below 0.00001; ExAC 0.00001.

Submissions (3):

Ambry Genetics
Classification: Uncertain significance for Hereditary cancer-predisposing syndrome. Last evaluated: 2025-07-02. Review status: criteria provided, single submitter. Criteria: Ambry Variant Classification Scheme 2023. Collection method: clinical testing. Allele origin: germline.
Comment: The p.S1195T variant (also known as c.3584G>C), located in coding exon 7 of the MSH6 gene, results from a G to C substitution at nucleotide position 3584. The serine at codon 1195 is replaced by threonine, an amino acid with similar properties. This amino acid position is well conserved in available vertebrate species. In addition, the in silico prediction for this alteration is inconclusive. Based on the available evidence, the clinical significance of this variant remains unclear.

Labcorp Genetics (formerly Invitae), Labcorp
Classification: Likely benign for Hereditary nonpolyposis colorectal neoplasms. Last evaluated: 2025-05-06. Review status: criteria provided, single submitter. Criteria: Invitae Variant Classification Sherloc (09022015). Collection method: clinical testing. Allele origin: germline.

All of Us Research Program, National Institutes of Health
Classification: Uncertain significance for Lynch syndrome. Last evaluated: 2023-08-28. Review status: criteria provided, single submitter. Criteria: ACMG Guidelines, 2015. Collection method: clinical testing. Allele origin: germline. Inheritance: Autosomal dominant inheritance. Observed: 1 variant allele, 1 heterozygote.
Comment: This missense variant replaces serine with threonine at codon 1195 of the MSH6 protein. Computational prediction suggests that this variant may have deleterious impact on protein structure and function (internally defined REVEL score threshold >= 0.7, PMID: 27666373). To our knowledge, functional studies have not been reported for this variant. This variant has not been reported in individuals affected with MSH6-related disorders in the literature. This variant has been identified in 1/251334 chromosomes in the general population by the Genome Aggregation Database (gnomAD). The available evidence is insufficient to determine the role of this variant in disease conclusively. Therefore, this variant is classified as a Variant of Uncertain Significance.

This study involves interpretation of variants in research participants for the purpose of population health screening. Participant phenotype was not available at the time of variant classification. Additional details can be found in publication PMID: 35346344, PMCID: PMC8962531